The following is an entry in ClinVar:

NM_000059.4(BRCA2):c.6598T>C (p.Phe2200Leu)

Gene: BRCA2 (BRCA2 DNA repair associated; plus strand). Cytogenetic location: 13q13.1.
Variant type: single nucleotide variant.
Coding change: c.6598T>C on transcript NM_000059.4 (MANE Select); coding-DNA position 6598, T replaced by C.
Protein change: p.Phe2200Leu; replaces phenylalanine 2200 with leucine.
Molecular consequence: missense variant.
Genome position (GRCh38, 1-based): chr13:32,340,953, T>C. VCF-style: chr13-32340953-T-C. GRCh37 (hg19) VCF-style: chr13-32915090-T-C.
Other names: short protein forms F2200L.
Identifiers: ClinVar variation 224462 (VCV000224462.3), dbSNP rs886037809, ClinGen allele CA10575926.

ClinVar aggregate classification (germline): Conflicting classifications of pathogenicity. Review status: criteria provided, conflicting classifications (1 of 4 stars). 2 submissions from 2 submitters: Uncertain significance (1); Likely benign (1). Last evaluated 2023-03-23.

Conditions:
Hereditary cancer-predisposing syndrome. Also called: Tumor predisposition; Hereditary neoplastic syndrome; Neoplastic Syndromes, Hereditary; Hereditary Cancer Syndrome. Identifiers: Orphanet 140162, MedGen C0027672, MeSH D009386, MONDO:0015356.
Breast neoplasm. Also called: Neoplasm of breast; Breast tumor; Neoplasm of the breast; Breast Neoplasms. Identifiers: MedGen C1458155, MeSH D001943, MONDO:0021100, HP:0100013. Disease mechanism: gain of function.

Submissions (2):

University of Washington Department of Laboratory Medicine, University of Washington
Classification: Likely benign for Hereditary cancer-predisposing syndrome. Last evaluated: 2023-03-23. Review status: criteria provided, single submitter. Criteria: Dines et al. (Genet Med. 2020). Collection method: curation. Allele origin: germline.
Comment: Missense variant in a coldspot region where missense variants are very unlikely to be pathogenic (PMID:31911673).

BRCA2 exon 11 coldspot. Reclassification based on statistical prior probability.

Laboratory of Molecular Diagnosis of Cancer, West China Hospital, Sichuan University
Classification: Uncertain significance for Breast neoplasm. Last evaluated: 2015-11-01. Review status: criteria provided, single submitter. Criteria: ACMG Guidelines, 2015. Collection method: research. Allele origin: germline. Affected: yes. Observed: 1 variant allele.

Literature cited by the submitters: PubMed 27257965 (cited by Laboratory of Molecular Diagnosis of Cancer, West China Hospital, Sichuan University).